The following is an entry in ClinVar:

ClinVar aggregate classification (germline): Uncertain significance (1 of 4 stars; one submission).

Submission:

GeneDx
Classification: Uncertain significance. Last evaluated: 2023-04-11. Review status: criteria provided, single submitter. Criteria: GeneDx Variant Classification Process June 2021. Collection method: clinical testing. Allele origin: germline. Affected: yes.
Comment: Not observed at significant frequency in large population cohorts (gnomAD); In silico analysis supports that this missense variant does not alter protein structure/function; Has not been previously published as pathogenic or benign to our knowledge

NM_017654.4(SAMD9):c.4086G>C (p.Met1362Ile)

Gene: SAMD9 (sterile alpha motif domain containing 9; minus strand). Cytogenetic location: 7q21.2.
Variant type: single nucleotide variant.
Coding change: c.4086G>C on transcript NM_017654.4 (MANE Select); coding-DNA position 4086, G replaced by C.
Protein change: p.Met1362Ile; replaces methionine 1362 with isoleucine.
Molecular consequence: missense variant.
Genome position (GRCh38, 1-based): chr7:93,102,012, C>G on the plus strand (G>C on the coding strand, the complement: SAMD9 is on the minus strand). VCF-style: chr7-93102012-C-G. GRCh37 (hg19) VCF-style: chr7-92731325-C-G.
Other names: c.4086G>C, p.Met1362Ile (NM_001193307.2); short protein forms M1362I.
Identifiers: ClinVar variation 3343066 (VCV003343066.1).